The following is an entry in ClinVar:

NM_015374.3(SUN2):c.1146+3C>A

Genes: GTPBP1 (GTP binding protein 1; plus strand), SUN2 (Sad1 and UNC84 domain containing 2; minus strand). Cytogenetic location: 22q13.1.
Variant type: single nucleotide variant.
Coding change: c.1146+3C>A on transcript NM_015374.3 (MANE Select); 3 bases into the intron after coding-DNA position 1146, C replaced by A.
Molecular consequence: intron variant.
Genome position (GRCh38, 1-based): chr22:38,741,491, G>T on the plus strand (C>A on the coding strand, the complement: SUN2 is on the minus strand). VCF-style: chr22-38741491-G-T. GRCh37 (hg19) VCF-style: chr22-39137496-G-T.
Other names: c.1209+3C>A (NM_001199579.2); c.1146+3C>A (NM_001199580.2).
Identifiers: ClinVar variation 856248 (VCV000856248.8), dbSNP rs2092857349, ClinGen allele CA916083823.

ClinVar aggregate classification (germline): Uncertain significance (1 of 4 stars; one submission).

Conditions:
Emery-Dreifuss muscular dystrophy (EDMD). Also called: Scapuloperoneal syndrome, X-linked (formerly); Humeroperoneal neuromuscular disease, (formerly). Identifiers: Orphanet 261, MedGen C0410189, MONDO:0016830.

Allele frequency attached by ClinVar (database versions not stated): gnomAD exomes below 0.00001.
gnomAD v4.1: 2 of 1,613,840 alleles (0.00012%); highest among the groups gnomAD compares: Non-Finnish European, 0.00017%; no homozygotes.

Submission:

Labcorp Genetics (formerly Invitae), Labcorp
Classification: Uncertain significance for Emery-Dreifuss muscular dystrophy. Last evaluated: 2019-12-15. Review status: criteria provided, single submitter. Criteria: Invitae Variant Classification Sherloc (09022015). Collection method: clinical testing. Allele origin: germline.
Comment: In summary, the available evidence is currently insufficient to determine the role of this variant in disease. Therefore, it has been classified as a Variant of Uncertain Significance. Nucleotide substitutions within the consensus splice site are a relatively common cause of aberrant splicing (PMID: 17576681, 9536098). Algorithms developed to predict the effect of sequence changes on RNA splicing suggest that this variant is not likely to affect RNA splicing, but this prediction has not been confirmed by published transcriptional studies. This variant has not been reported in the literature in individuals with SUN2-related conditions. This variant is not present in population databases (ExAC no frequency). This sequence change falls in intron 10 of the SUN2 gene. It does not directly change the encoded amino acid sequence of the SUN2 protein, but it affects a nucleotide within the consensus splice site of the intron.

Literature cited by the submitters: PubMed 17576681; PubMed 9536098.